The following is an entry in ClinVar:

NM_003000.3(SDHB):c.647A>G (p.Tyr216Cys)

Gene: SDHB (succinate dehydrogenase complex iron sulfur subunit B; minus strand). Cytogenetic location: 1p36.13.
Variant type: single nucleotide variant.
Coding change: c.647A>G on transcript NM_003000.3 (MANE Select); coding-DNA position 647, A replaced by G.
Protein change: p.Tyr216Cys; replaces tyrosine 216 with cysteine.
Molecular consequence: missense variant.
Genome position (GRCh38, 1-based): chr1:17,022,726, T>C on the plus strand (A>G on the coding strand, the complement: SDHB is on the minus strand). VCF-style: chr1-17022726-T-C. GRCh37 (hg19) VCF-style: chr1-17349221-T-C.
Other names: short protein forms Y216C.
Identifiers: ClinVar variation 480804 (VCV000480804.14), dbSNP rs1553177291, ClinGen allele CA338270510.

ClinVar aggregate classification (germline): Uncertain significance. Review status: criteria provided, multiple submitters, no conflicts (2 of 4 stars). 3 submissions from 3 submitters: Uncertain significance (3). Last evaluated 2025-10-01.

Conditions:
Hereditary cancer-predisposing syndrome. Also called: Tumor predisposition; Hereditary neoplastic syndrome; Neoplastic Syndromes, Hereditary; Hereditary Cancer Syndrome. Identifiers: Orphanet 140162, MedGen C0027672, MeSH D009386, MONDO:0015356.
Pheochromocytoma. Also called: MAX-Related Hereditary Paraganglioma-Pheochromocytoma Syndrome. Identifiers: Orphanet 29072, MedGen C0031511, MONDO:0008233, OMIM 171300, HP:0002666.
Pheochromocytoma/paraganglioma syndrome 4. Also called: SDHB-Related Hereditary Paraganglioma-Pheochromocytoma Syndrome (Paragangliomas 4); CAROTID BODY TUMORS AND MULTIPLE EXTRAADRENAL PHEOCHROMOCYTOMAS; PARAGANGLIOMA, FAMILIAL MALIGNANT; PARAGANGLIOMAS, HEREDITARY EXTRAADRENAL; SDHB-Related Hereditary Paraganglioma-Pheochromocytoma Syndrome; PHEOCHROMOCYTOMA, FAMILIAL EXTRAADRENAL. Identifiers: Orphanet 29072, MedGen C1861848, MONDO:0007273, OMIM 115310.
Gastrointestinal stromal tumor. Also called: Gastrointestinal stroma tumor; Gastrointestinal stromal tumor, somatic. Identifiers: Orphanet 44890, MedGen C0238198, MeSH D046152, MONDO:0011719, OMIM 606764, HP:0100723.
Hereditary pheochromocytoma and paraganglioma. Also called: Hereditary Paraganglioma-Pheochromocytoma Syndromes; Hereditary paragangliomas and pheochromocytomas; Hereditary pheochromocytoma-paraganglioma. Identifiers: Orphanet 29072, MedGen C4274332, MONDO:0017366.

Allele frequency attached by ClinVar (database versions not stated): gnomAD exomes below 0.00001; TOPMed 0.00001.
gnomAD v4.1: 3 of 1,613,460 alleles (0.00019%); highest among the groups gnomAD compares: Non-Finnish European, 0.00025%; no homozygotes.

Submissions (3):

Labcorp Genetics (formerly Invitae), Labcorp
Classification: Uncertain significance for Gastrointestinal stromal tumor; Pheochromocytoma/paraganglioma syndrome 4; Pheochromocytoma. Last evaluated: 2025-10-01. Review status: criteria provided, single submitter. Criteria: Invitae Variant Classification Sherloc (09022015). Collection method: clinical testing. Allele origin: germline.
Comment: This sequence change replaces tyrosine, which is neutral and polar, with cysteine, which is neutral and slightly polar, at codon 216 of the SDHB protein (p.Tyr216Cys). This variant is not present in population databases (gnomAD no frequency). This missense change has been observed in individual(s) with paraganglioma (PMID: 26096992). ClinVar contains an entry for this variant (Variation ID: 480804). Invitae Evidence Modeling of protein sequence and biophysical properties (such as structural, functional, and spatial information, amino acid conservation, physicochemical variation, residue mobility, and thermodynamic stability) has been performed for this missense variant. However, the output from this modeling did not meet the statistical confidence thresholds required to predict the impact of this variant on SDHB protein function. In summary, the available evidence is currently insufficient to determine the role of this variant in disease. Therefore, it has been classified as a Variant of Uncertain Significance.

Ambry Genetics
Classification: Uncertain significance for Hereditary cancer-predisposing syndrome. Last evaluated: 2024-10-14. Review status: criteria provided, single submitter. Criteria: Ambry Variant Classification Scheme 2023. Collection method: clinical testing. Allele origin: germline.
Comment: The p.Y216C variant (also known as c.647A>G), located in coding exon 7 of the SDHB gene, results from an A to G substitution at nucleotide position 647. The tyrosine at codon 216 is replaced by cysteine, an amino acid with highly dissimilar properties. This alteration has been identified in at least one Chinese patient with isolated, malignant head and neck paraganglioma (Chen H et al. J. Cancer Res. Clin. Oncol. 2017 Jun;143:953-960; Zhu WD et al. Eur J Med Genet 2015 Sep;58:433-8). This amino acid position is highly conserved in available vertebrate species. In addition, this alteration is predicted to be deleterious by in silico analysis. Based on the available evidence, the clinical significance of this variant remains unclear.

All of Us Research Program, National Institutes of Health
Classification: Uncertain significance for Hereditary pheochromocytoma and paraganglioma. Last evaluated: 2023-06-26. Review status: criteria provided, single submitter. Criteria: ACMG Guidelines, 2015. Collection method: clinical testing. Allele origin: germline. Inheritance: Autosomal dominant inheritance. Observed: 1 variant allele, 1 heterozygote.
Comment: This missense variant replaces tyrosine with cysteine at codon 216 of the SDHB protein. Computational prediction suggests that this variant may have deleterious impact on protein structure and function (internally defined REVEL score threshold >= 0.7, PMID: 27666373). To our knowledge, functional studies have not been reported for this variant. This variant has been reported in an individual affected with hereditary paranganglioma-pheochromocytoma syndrome (PMID: 26096992). This variant has not been identified in the general population by the Genome Aggregation Database (gnomAD). The available evidence is insufficient to determine the role of this variant in disease conclusively. Therefore, this variant is classified as a Variant of Uncertain Significance.

This study involves interpretation of variants in research participants for the purpose of population health screening. Participant phenotype was not available at the time of variant classification. Additional details can be found in publication PMID: 35346344, PMCID: PMC8962531

Literature cited by the submitters: PubMed 26096992 (cited by 3 submitters); PubMed 28255624 (cited by Ambry Genetics).